The following is an entry in ClinVar:

ClinVar aggregate classification (germline): Uncertain significance (1 of 4 stars; one submission).

gnomAD v4.1: 5 of 1,612,706 alleles (0.00031%); highest among the groups gnomAD compares: Admixed American, 0.0083%; no homozygotes.

Submission:

Labcorp Genetics (formerly Invitae), Labcorp
Classification: Uncertain significance. Last evaluated: 2024-11-04. Review status: criteria provided, single submitter. Criteria: Invitae Variant Classification Sherloc (09022015). Collection method: clinical testing. Allele origin: germline.
Comment: This sequence change replaces arginine, which is basic and polar, with proline, which is neutral and non-polar, at codon 6 of the TCIRG1 protein (p.Arg6Pro). This variant is present in population databases (rs768203698, gnomAD 0.009%). This variant has not been reported in the literature in individuals affected with TCIRG1-related conditions. ClinVar contains an entry for this variant (Variation ID: 2159281). Invitae Evidence Modeling of protein sequence and biophysical properties (such as structural, functional, and spatial information, amino acid conservation, physicochemical variation, residue mobility, and thermodynamic stability) indicates that this missense variant is expected to disrupt TCIRG1 protein function with a positive predictive value of 80%. In summary, the available evidence is currently insufficient to determine the role of this variant in disease. Therefore, it has been classified as a Variant of Uncertain Significance.

NM_006019.4(TCIRG1):c.17G>C (p.Arg6Pro)

Gene: TCIRG1 (T cell immune regulator 1, ATPase H+ transporting V0 subunit a3; plus strand). Cytogenetic location: 11q13.2.
Variant type: single nucleotide variant.
Coding change: c.17G>C on transcript NM_006019.4 (MANE Select); coding-DNA position 17, G replaced by C.
Protein change: p.Arg6Pro; replaces arginine 6 with proline.
Molecular consequence: missense variant. On other transcripts: 5 prime UTR variant (1).
Genome position (GRCh38, 1-based): chr11:68,041,288, G>C. VCF-style: chr11-68041288-G-C. GRCh37 (hg19) VCF-style: chr11-67808755-G-C.
Other names: c.-1233G>C (NM_001351059.2); short protein forms R6P.
Identifiers: ClinVar variation 2159281 (VCV002159281.3), dbSNP rs768203698, ClinGen allele CA6146612.